The following is an entry in ClinVar:

NM_020773.3(TBC1D14):c.1270+1G>A

Gene: TBC1D14 (TBC1 domain family member 14; plus strand). Cytogenetic location: 4p16.1.
Variant type: single nucleotide variant.
Coding change: c.1270+1G>A on transcript NM_020773.3 (MANE Select); the canonical splice donor site of the intron after coding-DNA position 1270, G replaced by A.
Molecular consequence: splice donor variant.
Genome position (GRCh38, 1-based): chr4:7,001,252, G>A. VCF-style: chr4-7001252-G-A. GRCh37 (hg19) VCF-style: chr4-7002979-G-A.
Other names: c.1270+1G>A (NM_001113361.2); c.586+1G>A (NM_001330638.2); c.430+1G>A (NM_001113363.2); c.250+1G>A (NM_001286805.2).
Identifiers: ClinVar variation 4851723 (VCV004851723.1).

ClinVar aggregate classification (germline): Uncertain significance (1 of 4 stars; one submission).

Submission:

Greenwood Genetic Center Diagnostic Laboratories, Greenwood Genetic Center
Classification: Uncertain significance. Last evaluated: 2025-03-11. Review status: criteria provided, single submitter. Criteria: ACMG Guidelines, 2015. Collection method: clinical testing. Allele origin: germline.
Comment: Gene of Uncertain Significance